The following is an entry in ClinVar:

NM_000393.5(COL5A2):c.2715+236A>T

Gene: COL5A2 (collagen type V alpha 2 chain; minus strand). Cytogenetic location: 2q32.2.
Variant type: single nucleotide variant.
Coding change: c.2715+236A>T on transcript NM_000393.5 (MANE Select); 236 bases into the intron after coding-DNA position 2715, A replaced by T.
Molecular consequence: intron variant.
Genome position (GRCh38, 1-based): chr2:189,052,513, T>A on the plus strand (A>T on the coding strand, the complement: COL5A2 is on the minus strand). VCF-style: chr2-189052513-T-A. GRCh37 (hg19) VCF-style: chr2-189917239-T-A.
Identifiers: ClinVar variation 679170 (VCV000679170.1), dbSNP rs62184180, ClinGen allele CA62596633.

ClinVar aggregate classification (germline): Benign (1 of 4 stars; one submission).

Allele frequency attached by ClinVar (database versions not stated): 1000 Genomes Project 30x 0.63616; 1000 Genomes Project 0.64018; TOPMed 0.69124; gnomAD 0.70696 and 0.70799.
gnomAD v4.1: 107,207 of 151,336 alleles (71%); highest among the groups gnomAD compares: Non-Finnish European, 81%; 38,999 homozygotes.

Submission:

GeneDx
Classification: Benign. Last evaluated: 2018-06-14. Review status: criteria provided, single submitter. Criteria: GeneDx Variant Classification (06012015). Collection method: clinical testing. Allele origin: germline. Affected: yes.
Comment: This variant is considered likely benign or benign based on one or more of the following criteria: it is a conservative change, it occurs at a poorly conserved position in the protein, it is predicted to be benign by multiple in silico algorithms, and/or has population frequency not consistent with disease.